The following is an entry in ClinVar:

NM_001256071.3(RNF213):c.11589A>G (p.Ala3863=)

Genes: RNF213 (ring finger protein 213; plus strand), RNF213-AS1 (RNF213 antisense RNA 1; minus strand). Cytogenetic location: 17q25.3.
Variant type: single nucleotide variant.
Coding change: c.11589A>G on transcript NM_001256071.3 (MANE Select); coding-DNA position 11589, A replaced by G.
Protein change: p.Ala3863=; no amino-acid change (alanine 3863 retained).
Molecular consequence: synonymous variant.
Genome position (GRCh38, 1-based): chr17:80,363,629, A>G. VCF-style: chr17-80363629-A-G. GRCh37 (hg19) VCF-style: chr17-78337429-A-G.
Other names: p.Ala3863=.
Identifiers: ClinVar variation 712857 (VCV000712857.33), dbSNP rs141567136, ClinGen allele CA8821872.

ClinVar aggregate classification (germline): Benign/Likely benign. Review status: criteria provided, multiple submitters, no conflicts (2 of 4 stars). 4 submissions from 4 submitters: Benign (2); Likely benign (2). Last evaluated 2026-01-16.

Allele frequency attached by ClinVar (database versions not stated): gnomAD exomes 0.00025 and 0.00056; ExAC 0.00065; ESP Exome Variant Server 0.00192; gnomAD 0.00228 and 0.00240; TOPMed 0.00268; 1000 Genomes Project 30x 0.00297; 1000 Genomes Project 0.00300.
gnomAD v4.1: 741 of 1,613,958 alleles (0.046%); highest among the groups gnomAD compares: African/African-American, 0.82%; 3 homozygotes.

Submissions (4):

Labcorp Genetics (formerly Invitae), Labcorp
Classification: Benign. Last evaluated: 2026-01-16. Review status: criteria provided, single submitter. Criteria: Invitae Variant Classification Sherloc (09022015). Collection method: clinical testing. Allele origin: germline.

Blueprint Genetics
Classification: Likely benign. Last evaluated: 2024-10-24. Review status: criteria provided, single submitter. Criteria: ACMG Guidelines, 2015. Collection method: clinical testing. Allele origin: germline.

Mayo Clinic Laboratories, Mayo Clinic
Classification: Benign. Last evaluated: 2024-07-24. Review status: criteria provided, single submitter. Criteria: ACMG Guidelines, 2015. Collection method: clinical testing. Allele origin: germline. Observed: 2 variant alleles.
Comment: BS1, BS2, BP4, BP7

CeGaT Center for Human Genetics Tuebingen
Classification: Likely benign. Last evaluated: 2022-03-01. Review status: criteria provided, single submitter. Criteria: CeGaT Center For Human Genetics Tuebingen Variant Classification Criteria Version 2. Collection method: clinical testing. Allele origin: germline. Affected: yes. Observed: 1 variant allele.
Comment: RNF213: BP4, BP7